The following is an entry in ClinVar:

ClinVar aggregate classification (germline): Uncertain significance. Review status: criteria provided, multiple submitters, no conflicts (2 of 4 stars). 2 submissions from 2 submitters: Uncertain significance (2). Last evaluated 2026-01-06.

Conditions:
Cardiovascular phenotype. Identifiers: MedGen CN230736.

Allele frequency attached by ClinVar (database versions not stated): gnomAD 0.00001; ExAC 0.00002.
gnomAD v4.1: 37 of 1,601,002 alleles (0.0023%); highest among the groups gnomAD compares: Non-Finnish European, 0.003%; no homozygotes.

Submissions (2):

Women's Health and Genetics/Laboratory Corporation of America, LabCorp
Classification: Uncertain significance. Last evaluated: 2026-01-06. Review status: criteria provided, single submitter. Criteria: LabCorp Variant Classification Summary - May 2015. Collection method: clinical testing. Allele origin: germline.
Comment: Variant summary: TNXB c.952C>T (p.Arg318Trp) results in a non-conservative amino acid change located in the EGF-like domain (IPR000742) of the encoded protein sequence. Algorithms developed to predict the effect of missense changes on protein structure and function are either unavailable or do not agree on the potential impact of this missense change. The variant allele was found at a frequency of 1.3e-05 in 238598 control chromosomes. The available data on variant occurrences in the general population are insufficient to allow any conclusion about variant significance. To our knowledge, no occurrence of c.952C>T in individuals affected with TNXB-related conditions and no experimental evidence demonstrating its impact on protein function have been reported. ClinVar contains an entry for this variant (Variation ID: 1767281). Based on the evidence outlined above, the variant was classified as uncertain significance.

Ambry Genetics
Classification: Uncertain significance for Cardiovascular phenotype. Last evaluated: 2025-03-09. Review status: criteria provided, single submitter. Criteria: Ambry Variant Classification Scheme 2023. Collection method: clinical testing. Allele origin: germline.
Comment: The p.R318W variant (also known as c.952C>T), located in coding exon 2 of the TNXB gene, results from a C to T substitution at nucleotide position 952. The arginine at codon 318 is replaced by tryptophan, an amino acid with dissimilar properties. This amino acid position is conserved. In addition, this alteration is predicted to be tolerated by in silico analysis. Since supporting evidence is limited at this time, the clinical significance of this alteration remains unclear.

NM_001365276.2(TNXB):c.952C>T (p.Arg318Trp)

Gene: TNXB (tenascin XB; minus strand). Cytogenetic location: 6p21.33.
Variant type: single nucleotide variant.
Coding change: c.952C>T on transcript NM_001365276.2 (MANE Select); coding-DNA position 952, C replaced by T.
Protein change: p.Arg318Trp; replaces arginine 318 with tryptophan.
Molecular consequence: missense variant.
Genome position (GRCh38, 1-based): chr6:32,096,901, G>A on the plus strand (C>T on the coding strand, the complement: TNXB is on the minus strand). VCF-style: chr6-32096901-G-A. GRCh37 (hg19) VCF-style: chr6-32064678-G-A.
Other names: c.952C>T, p.Arg318Trp (NM_019105.8); short protein forms R318W.
Identifiers: ClinVar variation 1767281 (VCV001767281.4), dbSNP rs780763293, ClinGen allele CA3735755.